The following is an entry in ClinVar:

ClinVar aggregate classification (germline): Uncertain significance. Review status: criteria provided, multiple submitters, no conflicts (2 of 4 stars). 2 submissions from 2 submitters: Uncertain significance (2). Last evaluated 2025-03-18.

Conditions:
Baller-Gerold syndrome (BGS). Also called: CRANIOSYNOSTOSIS WITH RADIAL DEFECTS. Identifiers: Orphanet 1225, MedGen C0265308, MONDO:0009039, OMIM 218600.
Inborn genetic diseases. Identifiers: MedGen C0950123, MeSH D030342.

Submissions (2):

Ambry Genetics
Classification: Uncertain significance for Inborn genetic diseases. Last evaluated: 2025-03-18. Review status: criteria provided, single submitter. Criteria: Ambry Variant Classification Scheme 2023. Collection method: clinical testing. Allele origin: germline.
Comment: The p.V155D variant (also known as c.464T>A), located in coding exon 5 of the RECQL4 gene, results from a T to A substitution at nucleotide position 464. The valine at codon 155 is replaced by aspartic acid, an amino acid with highly dissimilar properties. This amino acid position is conserved. In addition, this alteration is predicted to be tolerated by in silico analysis. Based on the available evidence, the clinical significance of this variant remains unclear.

Labcorp Genetics (formerly Invitae), Labcorp
Classification: Uncertain significance for Baller-Gerold syndrome. Last evaluated: 2022-10-31. Review status: criteria provided, single submitter. Criteria: Invitae Variant Classification Sherloc (09022015). Collection method: clinical testing. Allele origin: germline.
Comment: In summary, the available evidence is currently insufficient to determine the role of this variant in disease. Therefore, it has been classified as a Variant of Uncertain Significance. Advanced modeling of protein sequence and biophysical properties (such as structural, functional, and spatial information, amino acid conservation, physicochemical variation, residue mobility, and thermodynamic stability) performed at Invitae indicates that this missense variant is not expected to disrupt RECQL4 protein function. This variant has not been reported in the literature in individuals affected with RECQL4-related conditions. This variant is not present in population databases (gnomAD no frequency). This sequence change replaces valine, which is neutral and non-polar, with aspartic acid, which is acidic and polar, at codon 155 of the RECQL4 protein (p.Val155Asp).

NM_004260.4(RECQL4):c.464T>A (p.Val155Asp)

Gene: RECQL4 (RecQ like helicase 4; minus strand). Cytogenetic location: 8q24.3.
Variant type: single nucleotide variant.
Coding change: c.464T>A on transcript NM_004260.4 (MANE Select); coding-DNA position 464, T replaced by A.
Protein change: p.Val155Asp; replaces valine 155 with aspartic acid.
Molecular consequence: missense variant.
Genome position (GRCh38, 1-based): chr8:144,516,655, A>T on the plus strand (T>A on the coding strand, the complement: RECQL4 is on the minus strand). VCF-style: chr8-144516655-A-T. GRCh37 (hg19) VCF-style: chr8-145742039-A-T.
Other names: c.464T>A, p.Val155Asp (NM_001413017.1, NM_001413018.1, NM_001413019.1 and 4 more transcripts); c.-608T>A (NM_001413022.1, NM_001413023.1, NM_001413024.1 and 5 more transcripts); c.335T>A, p.Val112Asp (NM_001413025.1); c.-670T>A (NM_001413027.1, NM_001413030.1, NM_001413031.1 and 2 more transcripts); c.-512T>A (NM_001413034.1); c.-877T>A (NM_001413043.1); c.464T>A (NM_004260.3); short protein forms V155D, V112D.
Identifiers: ClinVar variation 1949238 (VCV001949238.6), dbSNP rs2130728419, ClinGen allele CA372691378.